The following is an entry in ClinVar:

ClinVar aggregate classification (germline): Uncertain significance (1 of 4 stars; one submission).

Conditions:
Cardiomyopathy (CMYO). Also called: Cardiomyopathies. Identifiers: Orphanet 167848, MedGen C0878544, MONDO:0004994, HP:0001638. Inheritance: Various modes of inheritance.

Submission:

Color Diagnostics, LLC DBA Color Health
Classification: Uncertain significance for Cardiomyopathy. Last evaluated: 2025-06-17. Review status: criteria provided, single submitter. Criteria: ACMG Guidelines, 2015. Collection method: clinical testing. Allele origin: germline.
Comment: This missense variant replaces threonine with serine at codon 192 of the DSC2 protein. Computational prediction suggests that this variant may not impact protein structure and function. To our knowledge, functional studies have not been reported for this variant. This variant has not been reported in individuals affected with DSC2-related disorders in the literature. This variant has not been identified in the general population by the Genome Aggregation Database (gnomAD). The available evidence is insufficient to determine the role of this variant in disease conclusively. Therefore, this variant is classified as a Variant of Uncertain Significance.

NM_024422.6(DSC2):c.574A>T (p.Thr192Ser)

Gene: DSC2 (desmocollin 2; minus strand). Cytogenetic location: 18q12.1.
Variant type: single nucleotide variant.
Coding change: c.574A>T on transcript NM_024422.6 (MANE Select); coding-DNA position 574, A replaced by T.
Protein change: p.Thr192Ser; replaces threonine 192 with serine.
Molecular consequence: missense variant.
Genome position (GRCh38, 1-based): chr18:31,089,495, T>A on the plus strand (A>T on the coding strand, the complement: DSC2 is on the minus strand). VCF-style: chr18-31089495-T-A. GRCh37 (hg19) VCF-style: chr18-28669458-T-A.
Other names: c.145A>T, p.Thr49Ser (NM_001406506.1, NM_001406507.1); c.574A>T, p.Thr192Ser (NM_004949.5); short protein forms T192S, T49S.
Identifiers: ClinVar variation 4758795 (VCV004758795.1).